The following is an entry in ClinVar:

ClinVar aggregate classification (germline): Likely benign (1 of 4 stars; one submission).

Conditions:
Malignant hyperthermia, susceptibility to, 1 (MHS1). Also called: Anesthesia related hyperthermia; Malignant hyperpyrexia; Fulminating hyperpyrexia; Pharmacogenic myopathy; RYR1-Related Malignant Hyperthermia Susceptibility; Malignant hyperthermia suceptibility 1. Identifiers: Orphanet 423, MedGen C2930980, MONDO:0007783, OMIM 145600.

Submission:

All of Us Research Program, National Institutes of Health
Classification: Likely benign for Malignant hyperthermia, susceptibility to, 1. Last evaluated: 2023-06-26. Review status: criteria provided, single submitter. Criteria: ACMG Guidelines, 2015. Collection method: clinical testing. Allele origin: germline. Inheritance: Autosomal dominant inheritance. Observed: 1 variant allele, 1 heterozygote.
Comment: This study involves interpretation of variants in research participants for the purpose of population health screening. Participant phenotype was not available at the time of variant classification. Additional details can be found in publication PMID: 35346344, PMCID: PMC8962531

NM_000540.3(RYR1):c.7242C>T (p.Asn2414=)

Gene: RYR1 (ryanodine receptor 1; plus strand). Cytogenetic location: 19q13.2.
Variant type: single nucleotide variant.
Coding change: c.7242C>T on transcript NM_000540.3 (MANE Select); coding-DNA position 7242, C replaced by T.
Protein change: p.Asn2414=; no amino-acid change (asparagine 2414 retained).
Molecular consequence: synonymous variant.
Genome position (GRCh38, 1-based): chr19:38,499,935, C>T. VCF-style: chr19-38499935-C-T. GRCh37 (hg19) VCF-style: chr19-38990575-C-T.
Other names: c.7242C>T, p.Asn2414= (NM_001042723.2).
Identifiers: ClinVar variation 3071787 (VCV003071787.1), dbSNP rs1675467026, ClinGen allele CA507353721.